The following is an entry in ClinVar:

ClinVar aggregate classification (germline): Uncertain significance. Review status: criteria provided, multiple submitters, no conflicts (2 of 4 stars). 2 submissions from 2 submitters: Uncertain significance (2). Last evaluated 2025-10-21.

Conditions:
Inborn genetic diseases. Identifiers: MedGen C0950123, MeSH D030342.
Periodic fever-infantile enterocolitis-autoinflammatory syndrome. Also called: Autoinflammation with infantile enterocolitis. Identifiers: Orphanet 436166, MedGen C4015067, MONDO:0014472, OMIM 616050.
Familial cold autoinflammatory syndrome 4 (FCAS4). Identifiers: Orphanet 47045, Orphanet 576349, MedGen C4015276, MONDO:0014498, OMIM 616115.

Allele frequency attached by ClinVar (database versions not stated): gnomAD exomes 0.00001 and 0.00003; ExAC 0.00001; TOPMed 0.00002; gnomAD 0.00001.
gnomAD v4.1: 50 of 1,614,076 alleles (0.0031%); highest among the groups gnomAD compares: Non-Finnish European, 0.0039%; no homozygotes.

Submissions (2):

Labcorp Genetics (formerly Invitae), Labcorp
Classification: Uncertain significance for Periodic fever-infantile enterocolitis-autoinflammatory syndrome; Familial cold autoinflammatory syndrome 4. Last evaluated: 2025-10-21. Review status: criteria provided, single submitter. Criteria: Invitae Variant Classification Sherloc (09022015). Collection method: clinical testing. Allele origin: germline.
Comment: This sequence change replaces glycine, which is neutral and non-polar, with serine, which is neutral and polar, at codon 291 of the NLRC4 protein (p.Gly291Ser). This variant is present in population databases (rs780335164, gnomAD 0.007%). This variant has not been reported in the literature in individuals affected with NLRC4-related conditions. ClinVar contains an entry for this variant (Variation ID: 575189). Invitae Evidence Modeling of protein sequence and biophysical properties (such as structural, functional, and spatial information, amino acid conservation, physicochemical variation, residue mobility, and thermodynamic stability) indicates that this missense variant is expected to disrupt NLRC4 protein function with a positive predictive value of 80%. In summary, the available evidence is currently insufficient to determine the role of this variant in disease. Therefore, it has been classified as a Variant of Uncertain Significance.

Ambry Genetics
Classification: Uncertain significance for Inborn genetic diseases. Last evaluated: 2022-05-11. Review status: criteria provided, single submitter. Criteria: Ambry Variant Classification Scheme 2023. Collection method: clinical testing. Allele origin: germline.

NM_001199138.2(NLRC4):c.871G>A (p.Gly291Ser)

Gene: NLRC4 (NLR family CARD domain containing 4; minus strand). Cytogenetic location: 2p22.3.
Variant type: single nucleotide variant.
Coding change: c.871G>A on transcript NM_001199138.2 (MANE Select); coding-DNA position 871, G replaced by A.
Protein change: p.Gly291Ser; replaces glycine 291 with serine.
Molecular consequence: missense variant. On other transcripts: intron variant (1).
Genome position (GRCh38, 1-based): chr2:32,250,993, C>T on the plus strand (G>A on the coding strand, the complement: NLRC4 is on the minus strand). VCF-style: chr2-32250993-C-T. GRCh37 (hg19) VCF-style: chr2-32476062-C-T.
Other names: c.871G>A, p.Gly291Ser (NM_001199139.2, NM_021209.5); c.262+1426G>A (NM_001302504.1); short protein forms G291S.
Identifiers: ClinVar variation 575189 (VCV000575189.7), dbSNP rs780335164, ClinGen allele CA1602073.